The following is an entry in ClinVar:

ClinVar aggregate classification (germline): Uncertain significance (1 of 4 stars; one submission).

Submission:

Labcorp Genetics (formerly Invitae), Labcorp
Classification: Uncertain significance. Last evaluated: 2025-10-31. Review status: criteria provided, single submitter. Criteria: Invitae Variant Classification Sherloc (09022015). Collection method: clinical testing. Allele origin: germline.
Comment: This sequence change creates a premature translational stop signal (p.Asp1174Metfs*40) in the FOCAD gene. It is expected to result in an absent or disrupted protein product. However, the current clinical and genetic evidence is not sufficient to establish whether loss-of-function variants in FOCAD cause disease. This variant is not present in population databases (gnomAD no frequency). This variant has not been reported in the literature in individuals affected with FOCAD-related conditions. In summary, the available evidence is currently insufficient to determine the role of this variant in disease. Therefore, it has been classified as a Variant of Uncertain Significance.

NM_001375567.1(FOCAD):c.3520del (p.Asp1174fs)

Gene: FOCAD (focadhesin; plus strand). Cytogenetic location: 9p21.3.
Variant type: Deletion.
Coding change: c.3520del on transcript NM_001375567.1 (MANE Select); coding-DNA position 3520, one base deleted (G; older notation c.3520delG).
Protein change: p.Asp1174fs; shifts the reading frame from aspartic acid 1174.
Molecular consequence: frameshift variant.
Genome position (GRCh38, 1-based): chr9:20,944,739, G deleted. VCF-style (leftmost placement, unchanged base first): chr9-20944738-AG-A. GRCh37 (hg19) VCF-style: chr9-20944737-AG-A.
Other names: c.3415del, p.Asp1139fs (NM_001375568.1, NM_001375570.1); c.3520del, p.Asp1174fs (NM_017794.5); short protein forms D1139fs, D1174fs.
Identifiers: ClinVar variation 4804462 (VCV004804462.1).